The following is an entry in ClinVar:

ClinVar aggregate classification (germline): Uncertain significance. Review status: criteria provided, multiple submitters, no conflicts (2 of 4 stars). 2 submissions from 2 submitters: Uncertain significance (2). Last evaluated 2025-10-05.

Conditions:
TMEM165-congenital disorder of glycosylation. Also called: Congenital disorder of glycosylation type 2k; CDG IIk; TMEM165-CDG. Identifiers: Orphanet 314667, MedGen C3553571, MONDO:0013870, OMIM 614727.

Allele frequency attached by ClinVar (database versions not stated): TOPMed below 0.00001; ExAC 0.00001; gnomAD 0.00001.

Submissions (2):

Labcorp Genetics (formerly Invitae), Labcorp
Classification: Uncertain significance for TMEM165-congenital disorder of glycosylation. Last evaluated: 2025-10-05. Review status: criteria provided, single submitter. Criteria: Invitae Variant Classification Sherloc (09022015). Collection method: clinical testing. Allele origin: germline.
Comment: This sequence change replaces methionine, which is neutral and non-polar, with valine, which is neutral and non-polar, at codon 134 of the TMEM165 protein (p.Met134Val). This variant is present in population databases (rs766323517, gnomAD 0.01%). This variant has not been reported in the literature in individuals affected with TMEM165-related conditions. ClinVar contains an entry for this variant (Variation ID: 2085118). Invitae Evidence Modeling of protein sequence and biophysical properties (such as structural, functional, and spatial information, amino acid conservation, physicochemical variation, residue mobility, and thermodynamic stability) indicates that this missense variant is not expected to disrupt TMEM165 protein function with a negative predictive value of 80%. In summary, the available evidence is currently insufficient to determine the role of this variant in disease. Therefore, it has been classified as a Variant of Uncertain Significance.

Genomic Medicine Center of Excellence, King Faisal Specialist Hospital and Research Centre
Classification: Uncertain significance for TMEM165-congenital disorder of glycosylation. Last evaluated: 2025-09-10. Review status: criteria provided, single submitter. Criteria: ACMG Guidelines, 2015. Collection method: clinical testing. Allele origin: germline.

NM_018475.5(TMEM165):c.400A>G (p.Met134Val)

Gene: TMEM165 (transmembrane protein 165; plus strand). Cytogenetic location: 4q12.
Variant type: single nucleotide variant.
Coding change: c.400A>G on transcript NM_018475.5 (MANE Select); coding-DNA position 400, A replaced by G.
Protein change: p.Met134Val; replaces methionine 134 with valine.
Molecular consequence: missense variant. On other transcripts: non-coding transcript variant (1).
Genome position (GRCh38, 1-based): chr4:55,411,806, A>G. VCF-style: chr4-55411806-A-G. GRCh37 (hg19) VCF-style: chr4-56277973-A-G.
Other names: short protein forms M134V.
Identifiers: ClinVar variation 2085118 (VCV002085118.5), dbSNP rs766323517, ClinGen allele CA2925506.